The following is an entry in ClinVar:

NM_000124.4(ERCC6):c.979C>T (p.Arg327Cys)

Gene: ERCC6 (ERCC excision repair 6, chromatin remodeling factor; minus strand). Cytogenetic location: 10q11.23.
Variant type: single nucleotide variant.
Coding change: c.979C>T on transcript NM_000124.4 (MANE Select); coding-DNA position 979, C replaced by T.
Protein change: p.Arg327Cys; replaces arginine 327 with cysteine.
Molecular consequence: missense variant.
Genome position (GRCh38, 1-based): chr10:49,524,451, G>A on the plus strand (C>T on the coding strand, the complement: ERCC6 is on the minus strand). VCF-style: chr10-49524451-G-A. GRCh37 (hg19) VCF-style: chr10-50732497-G-A.
Other names: c.979C>T, p.Arg327Cys (NM_001277058.2, NM_001277059.2, NM_001346440.2); short protein forms R327C.
Identifiers: ClinVar variation 2140085 (VCV002140085.2), dbSNP rs1393318735, ClinGen allele CA376753594.

ClinVar aggregate classification (germline): Uncertain significance. Review status: criteria provided, multiple submitters, no conflicts (2 of 4 stars). 2 submissions from 2 submitters: Uncertain significance (2). Last evaluated 2024-05-23.

Conditions:
Inborn genetic diseases. Identifiers: MedGen C0950123, MeSH D030342.

Allele frequency attached by ClinVar (database versions not stated): gnomAD exomes below 0.00001; gnomAD 0.00002.
gnomAD v4.1: 9 of 1,613,988 alleles (0.00056%); highest among the groups gnomAD compares: South Asian, 0.0044%; no homozygotes.

Submissions (2):

Ambry Genetics
Classification: Uncertain significance for Inborn genetic diseases. Last evaluated: 2024-05-23. Review status: criteria provided, single submitter. Criteria: Ambry Variant Classification Scheme 2023. Collection method: clinical testing. Allele origin: germline.

Labcorp Genetics (formerly Invitae), Labcorp
Classification: Uncertain significance. Last evaluated: 2022-05-18. Review status: criteria provided, single submitter. Criteria: Invitae Variant Classification Sherloc (09022015). Collection method: clinical testing. Allele origin: germline.
Comment: This sequence change replaces arginine, which is basic and polar, with cysteine, which is neutral and slightly polar, at codon 327 of the ERCC6 protein (p.Arg327Cys). This variant is present in population databases (no rsID available, gnomAD 0.006%). This variant has not been reported in the literature in individuals affected with ERCC6-related conditions. Algorithms developed to predict the effect of missense changes on protein structure and function output the following: SIFT: "Deleterious"; PolyPhen-2: "Benign"; Align-GVGD: "Class C65". The cysteine amino acid residue is found in multiple mammalian species, which suggests that this missense change does not adversely affect protein function. In summary, the available evidence is currently insufficient to determine the role of this variant in disease. Therefore, it has been classified as a Variant of Uncertain Significance.